The following is an entry in ClinVar:

NM_001048174.2(MUTYH):c.512G>A (p.Gly171Asp)

Gene: MUTYH (mutY DNA glycosylase; minus strand). Cytogenetic location: 1p34.1.
Variant type: single nucleotide variant.
Coding change: c.512G>A on transcript NM_001048174.2 (MANE Select); coding-DNA position 512, G replaced by A.
Protein change: p.Gly171Asp; replaces glycine 171 with aspartic acid.
Molecular consequence: missense variant. On other transcripts: non-coding transcript variant (2).
Genome position (GRCh38, 1-based): chr1:45,332,668, C>T on the plus strand (G>A on the coding strand, the complement: MUTYH is on the minus strand). VCF-style: chr1-45332668-C-T. GRCh37 (hg19) VCF-style: chr1-45798340-C-T.
Other names: c.512G>A, p.Gly171Asp (NM_001048171.2, NM_001048173.2, NM_001293195.2); c.515G>A, p.Gly172Asp (NM_001048172.2); c.596G>A, p.Gly199Asp (NM_001128425.2); c.557G>A, p.Gly186Asp (NM_001293190.2); c.545G>A, p.Gly182Asp (NM_001293191.2); c.236G>A, p.Gly79Asp (NM_001293192.2, NM_001293196.2); c.167G>A, p.Gly56Asp (NM_001350650.2, NM_001350651.2); c.587G>A, p.Gly196Asp (NM_012222.3); short protein forms G199D, G79D, G186D, G171D, G172D, G182D, G196D, G56D.
Identifiers: ClinVar variation 560806 (VCV000560806.4), dbSNP rs1263648272, ClinGen allele CA340135431.
Genomic context (GRCh38, chr1:45,332,668, plus strand): 5'-GTGTAGCGCCCCACGCCAGGCAGGAGCTGCTGCAGGGTCTCTGCTGTACGTGGCATGTGG[C>T]CCCCTAGCTCCTCTACCACCTGATTGGAGTGCAAGACTCAAGATTATAAGACACCCAAGA-3'
Protein context (NP_001041639.1, residues 161-181): GARKVVEELG[Gly171Asp]HMPRTAETLQ

ClinVar aggregate classification (germline): Uncertain significance. Review status: criteria provided, multiple submitters, no conflicts (2 of 4 stars). 2 submissions from 2 submitters: Uncertain significance (2). Last evaluated 2020-08-18.

Conditions:
Hereditary cancer-predisposing syndrome. Also called: Hereditary Cancer Syndrome; Neoplastic Syndromes, Hereditary; Tumor predisposition; Hereditary neoplastic syndrome. Identifiers: Orphanet 140162, MedGen C0027672, MeSH D009386, MONDO:0015356.

Allele frequency attached by ClinVar (database versions not stated): TOPMed below 0.00001; gnomAD 0.00001.
gnomAD v4.1: 3 of 1,613,966 alleles (0.00019%); highest among the groups gnomAD compares: Non-Finnish European, 0.000085%; no homozygotes.

Submissions (2):

Ambry Genetics
Classification: Uncertain significance for Hereditary cancer-predisposing syndrome. Last evaluated: 2020-08-18. Review status: criteria provided, single submitter. Criteria: Ambry Variant Classification Scheme 2023. Collection method: clinical testing. Allele origin: germline.
Comment: The p.G199D variant (also known as c.596G>A), located in coding exon 8 of the MUTYH gene, results from a G to A substitution at nucleotide position 596. The glycine at codon 199 is replaced by aspartic acid, an amino acid with similar properties. This amino acid position is highly conserved in available vertebrate species. In addition, this alteration is predicted to be deleterious by in silico analysis. Since supporting evidence is limited at this time, the clinical significance of this alteration remains unclear.

PreventionGenetics, part of Exact Sciences
Classification: Uncertain significance. Last evaluated: 2017-02-02. Review status: criteria provided, single submitter. Criteria: ACMG Guidelines, 2015. Collection method: clinical testing. Allele origin: germline.